The following is an entry in ClinVar:

NM_001127464.1:c.3406G>T

Gene: ZNF469 (zinc finger protein 469; plus strand).
Variant type: single nucleotide variant.
Identifiers: ClinVar variation 4209137 (VCV004209137.1).

ClinVar aggregate classification (germline): Uncertain significance (1 of 4 stars; one submission).

Conditions:
Cardiovascular phenotype. Identifiers: MedGen CN230736.

Submission:

Ambry Genetics
Classification: Uncertain significance for Cardiovascular phenotype. Last evaluated: 2025-06-15. Review status: criteria provided, single submitter. Criteria: Ambry Variant Classification Scheme 2023. Collection method: clinical testing. Allele origin: germline.
Comment: The p.G1136C variant (also known as c.3406G>T), located in coding exon 2 of the ZNF469 gene, results from a G to T substitution at nucleotide position 3406. The glycine at codon 1136 is replaced by cysteine, an amino acid with highly dissimilar properties. This amino acid position is conserved. In addition, this alteration is predicted to be tolerated by in silico analysis. Based on the available evidence, the clinical significance of this variant remains unclear.